The following is an entry in ClinVar:

NM_153460.4(IL17RC):c.1568A>T (p.Asp523Val)

Gene: IL17RC (interleukin 17 receptor C; plus strand). Cytogenetic location: 3p25.3.
Variant type: single nucleotide variant.
Coding change: c.1568A>T on transcript NM_153460.4 (MANE Select); coding-DNA position 1568, A replaced by T.
Protein change: p.Asp523Val; replaces aspartic acid 523 with valine.
Molecular consequence: missense variant. On other transcripts: non-coding transcript variant (1).
Genome position (GRCh38, 1-based): chr3:9,932,998, A>T. VCF-style: chr3-9932998-A-T. GRCh37 (hg19) VCF-style: chr3-9974682-A-T.
Other names: c.1484A>T, p.Asp495Val (NM_001367280.1); c.1433A>T, p.Asp478Val (NM_001410711.1); c.1523A>T, p.Asp508Val (NM_032732.6); c.1781A>T, p.Asp594Val (NM_153461.4); c.1529A>T, p.Asp510Val (NM_001203263.2); c.1478A>T, p.Asp493Val (NM_001203264.2); c.1472A>T, p.Asp491Val (NM_001203265.2); c.1490A>T, p.Asp497Val (NM_001367278.1); and 1 more; short protein forms D491V, D495V, D510V, D523V, D594V, D497V, D508V, D470V.
Identifiers: ClinVar variation 3693836 (VCV003693836.2).

ClinVar aggregate classification (germline): Uncertain significance (1 of 4 stars; one submission).

Conditions:
Candidiasis, familial, 9 (CANDF9). Identifiers: Orphanet 1334, MedGen C4225324, MONDO:0014642, OMIM 616445.

Submission:

Labcorp Genetics (formerly Invitae), Labcorp
Classification: Uncertain significance for Candidiasis, familial, 9. Last evaluated: 2024-03-24. Review status: criteria provided, single submitter. Criteria: Invitae Variant Classification Sherloc (09022015). Collection method: clinical testing. Allele origin: germline.
Comment: This sequence change replaces aspartic acid, which is acidic and polar, with valine, which is neutral and non-polar, at codon 594 of the IL17RC protein (p.Asp594Val). This variant is not present in population databases (gnomAD no frequency). This variant has not been reported in the literature in individuals affected with IL17RC-related conditions. An algorithm developed to predict the effect of missense changes on protein structure and function (PolyPhen-2) suggests that this variant is likely to be disruptive. In summary, the available evidence is currently insufficient to determine the role of this variant in disease. Therefore, it has been classified as a Variant of Uncertain Significance.